The following is an entry in ClinVar:

NM_001220.5(CAMK2B):c.502C>A (p.Gln168Lys)

Gene: CAMK2B (calcium/calmodulin dependent protein kinase II beta; minus strand). Cytogenetic location: 7p13.
Variant type: single nucleotide variant.
Coding change: c.502C>A on transcript NM_001220.5 (MANE Select); coding-DNA position 502, C replaced by A.
Protein change: p.Gln168Lys; replaces glutamine 168 with lysine.
Molecular consequence: missense variant.
Genome position (GRCh38, 1-based): chr7:44,243,440, G>T on the plus strand (C>A on the coding strand, the complement: CAMK2B is on the minus strand). VCF-style: chr7-44243440-G-T. GRCh37 (hg19) VCF-style: chr7-44283039-G-T.
Other names: c.502C>A, p.Gln168Lys (NM_001293170.2, NM_172078.3, NM_172079.3 and 5 more transcripts); c.502C>A (NM_001220.4); short protein forms Q168K.
Identifiers: ClinVar variation 2174911 (VCV002174911.2), dbSNP rs1337288705, ClinGen allele CA367366001.
Genomic context (GRCh38, chr7:44,243,440, plus strand): 5'-TGCCCTGCCAACTGCCAGCCAACACACCCTGCCCCTGGCACTCACCAAACCATGCCTGCT[G>T]GTCCCCCTGCACCTCGATAGCTAGGCCGAAGTCTGCCAGCTTCACTGCAGCCCCTTTGCA-3'
Protein context (NP_001211.3, residues 158-178): FGLAIEVQGD[Gln168Lys]QAWFGFAGTP

ClinVar aggregate classification (germline): Uncertain significance. Review status: criteria provided, multiple submitters, no conflicts (2 of 4 stars). 2 submissions from 2 submitters: Uncertain significance (2). Last evaluated 2023-10-25.

Conditions:
Inborn genetic diseases. Identifiers: MedGen C0950123, MeSH D030342.

Allele frequency attached by ClinVar (database versions not stated): gnomAD 0.00001; gnomAD exomes 0.00001; TOPMed 0.00001.
gnomAD v4.1: 6 of 1,613,992 alleles (0.00037%); highest among the groups gnomAD compares: Non-Finnish European, 0.00051%; no homozygotes.

Submissions (2):

Ambry Genetics
Classification: Uncertain significance for Inborn genetic diseases. Last evaluated: 2023-10-25. Review status: criteria provided, single submitter. Criteria: Ambry Variant Classification Scheme 2023. Collection method: clinical testing. Allele origin: germline.

Labcorp Genetics (formerly Invitae), Labcorp
Classification: Uncertain significance. Last evaluated: 2022-06-03. Review status: criteria provided, single submitter. Criteria: Invitae Variant Classification Sherloc (09022015). Collection method: clinical testing. Allele origin: germline.
Comment: This sequence change replaces glutamine, which is neutral and polar, with lysine, which is basic and polar, at codon 168 of the CAMK2B protein (p.Gln168Lys). This variant is not present in population databases (gnomAD no frequency). This variant has not been reported in the literature in individuals affected with CAMK2B-related conditions. Algorithms developed to predict the effect of missense changes on protein structure and function (SIFT, PolyPhen-2, Align-GVGD) all suggest that this variant is likely to be disruptive. In summary, the available evidence is currently insufficient to determine the role of this variant in disease. Therefore, it has been classified as a Variant of Uncertain Significance.